The following is an entry in ClinVar:

NM_032776.3(JMJD1C):c.4655A>G (p.Lys1552Arg)

Gene: JMJD1C (jumonji domain containing 1C; minus strand). Cytogenetic location: 10q21.3.
Variant type: single nucleotide variant.
Coding change: c.4655A>G on transcript NM_032776.3 (MANE Select); coding-DNA position 4655, A replaced by G.
Protein change: p.Lys1552Arg; replaces lysine 1552 with arginine.
Molecular consequence: missense variant. On other transcripts: non-coding transcript variant (1).
Genome position (GRCh38, 1-based): chr10:63,207,014, T>C on the plus strand (A>G on the coding strand, the complement: JMJD1C is on the minus strand). VCF-style: chr10-63207014-T-C. GRCh37 (hg19) VCF-style: chr10-64966774-T-C.
Other names: c.4109A>G, p.Lys1370Arg (NM_001282948.2, NM_001318154.2); c.3791A>G, p.Lys1264Arg (NM_001318153.2); c.4541A>G, p.Lys1514Arg (NM_001322252.2); c.3998A>G, p.Lys1333Arg (NM_001322254.2, NM_001322258.2); short protein forms K1514R, K1552R, K1264R, K1333R, K1370R.
Identifiers: ClinVar variation 1380596 (VCV001380596.6), dbSNP rs1361358487, ClinGen allele CA377036905.
Genomic context (GRCh38, chr10:63,207,014, plus strand): 5'-CCTGAATTTTCCATTTTATTAGTATTTTTATCTTCTTCTGAGTGTCTGGTGAGCCAGGCC[T>C]TTTTCAGTTTAGTATGGTAGTTTGGTTGACTTGTCTGGGAAGCTTGCCCATTTCCTACAG-3'
Protein context (NP_116165.1, residues 1542-1562): SQPNYHTKLK[Lys1552Arg]AWLTRHSEED

ClinVar aggregate classification (germline): Uncertain significance (1 of 4 stars; one submission).

Conditions:
Early Myoclonic Encephalopathy. Identifiers: MedGen C0270855.

Allele frequency attached by ClinVar (database versions not stated): gnomAD exomes below 0.00001.
gnomAD v4.1: 1 of 1,613,478 alleles (0.000062%); highest among the groups gnomAD compares: East Asian, 0.0022%; no homozygotes.

Submission:

Labcorp Genetics (formerly Invitae), Labcorp
Classification: Uncertain significance for Early Myoclonic Encephalopathy. Last evaluated: 2022-01-06. Review status: criteria provided, single submitter. Criteria: Invitae Variant Classification Sherloc (09022015). Collection method: clinical testing. Allele origin: germline.
Comment: This sequence change replaces lysine, which is basic and polar, with arginine, which is basic and polar, at codon 1552 of the JMJD1C protein (p.Lys1552Arg). This variant is present in population databases (no rsID available, gnomAD 0.006%). This variant has not been reported in the literature in individuals affected with JMJD1C-related conditions. Algorithms developed to predict the effect of missense changes on protein structure and function are either unavailable or do not agree on the potential impact of this missense change (SIFT: "Deleterious"; PolyPhen-2: "Probably Damaging"; Align-GVGD: "Class C0"). In summary, the available evidence is currently insufficient to determine the role of this variant in disease. Therefore, it has been classified as a Variant of Uncertain Significance.